The following is an entry in ClinVar:

NM_198994.3(TGM6):c.1678+1G>A

Gene: TGM6 (transglutaminase 6; plus strand). Cytogenetic location: 20p13.
Variant type: single nucleotide variant.
Coding change: c.1678+1G>A on transcript NM_198994.3 (MANE Select); the canonical splice donor site of the intron after coding-DNA position 1678, G replaced by A.
Molecular consequence: splice donor variant.
Genome position (GRCh38, 1-based): chr20:2,417,574, G>A. VCF-style: chr20-2417574-G-A. GRCh37 (hg19) VCF-style: chr20-2398220-G-A.
Other names: c.1678+1G>A (NM_001254734.2).
Identifiers: ClinVar variation 212402 (VCV000212402.7), dbSNP rs145535883, ClinGen allele CA207069.

ClinVar aggregate classification (germline): Uncertain significance. Review status: criteria provided, multiple submitters, no conflicts (2 of 4 stars). 2 submissions from 2 submitters: Uncertain significance (2). Last evaluated 2025-10-01.

Allele frequency attached by ClinVar (database versions not stated): ExAC below 0.00001; gnomAD 0.00001; gnomAD exomes 0.00001; TOPMed 0.00002; ESP Exome Variant Server 0.00008.
gnomAD v4.1: 50 of 1,598,164 alleles (0.0031%); highest among the groups gnomAD compares: Non-Finnish European, 0.0041%; no homozygotes.

Submissions (2):

GeneDx
Classification: Uncertain significance. Last evaluated: 2025-10-01. Review status: criteria provided, single submitter. Criteria: GeneDx Variant Classification Process June 2021. Collection method: clinical testing. Allele origin: germline. Affected: yes.
Comment: Not observed at significant frequency in large population cohorts (gnomAD); Canonical splice site variant with an unclear effect on protein function; Has not been previously published as pathogenic or benign to our knowledge

Genetic Services Laboratory, University of Chicago
Classification: Uncertain significance. Last evaluated: 2015-07-22. Review status: criteria provided, single submitter. Criteria: ACMG Guidelines, 2015. Collection method: clinical testing. Allele origin: germline.